The following is an entry in ClinVar:

NM_001458.5(FLNC):c.4903G>A (p.Asp1635Asn)

Gene: FLNC (filamin C; plus strand). Cytogenetic location: 7q32.1.
Variant type: single nucleotide variant.
Coding change: c.4903G>A on transcript NM_001458.5 (MANE Select); coding-DNA position 4903, G replaced by A.
Protein change: p.Asp1635Asn; replaces aspartic acid 1635 with asparagine.
Molecular consequence: missense variant.
Genome position (GRCh38, 1-based): chr7:128,848,958, G>A. VCF-style: chr7-128848958-G-A. GRCh37 (hg19) VCF-style: chr7-128489012-G-A.
Other names: c.4903G>A, p.Asp1635Asn (NM_001127487.2); short protein forms D1635N.
Identifiers: ClinVar variation 4025614 (VCV004025614.2).

ClinVar aggregate classification (germline): Uncertain significance. Review status: criteria provided, multiple submitters, no conflicts (2 of 4 stars). 2 submissions from 2 submitters: Uncertain significance (2). Last evaluated 2025-08-31.

Conditions:
Cardiovascular phenotype. Identifiers: MedGen CN230736.
Distal myopathy with posterior leg and anterior hand involvement. Also called: WILLIAMS DISTAL MYOPATHY. Identifiers: Orphanet 63273, MedGen C3279722, MONDO:0013550, OMIM 614065.
Hypertrophic cardiomyopathy 26. Also called: Cardiomyopathy, familial hypertrophic, 26. Identifiers: Orphanet 75249, MedGen C4310749, MONDO:0014883, OMIM 617047.
Myofibrillar myopathy 5. Also called: FILAMINOPATHY, AUTOSOMAL DOMINANT; Filaminopathy (type). Identifiers: Orphanet 171445, MedGen C1836050, MONDO:0012289, OMIM 609524.

gnomAD v4.1: 1 of 1,612,420 alleles (0.000062%); highest among the groups gnomAD compares: Non-Finnish European, 0.000085%; no homozygotes.

Submissions (2):

Labcorp Genetics (formerly Invitae), Labcorp
Classification: Uncertain significance for Distal myopathy with posterior leg and anterior hand involvement; Myofibrillar myopathy 5; Hypertrophic cardiomyopathy 26. Last evaluated: 2025-08-31. Review status: criteria provided, single submitter. Criteria: Invitae Variant Classification Sherloc (09022015). Collection method: clinical testing. Allele origin: germline.
Comment: This sequence change replaces aspartic acid, which is acidic and polar, with asparagine, which is neutral and polar, at codon 1635 of the FLNC protein (p.Asp1635Asn). This variant is not present in population databases (gnomAD no frequency). This variant has not been reported in the literature in individuals affected with FLNC-related conditions. ClinVar contains an entry for this variant (Variation ID: 4025614). Invitae Evidence Modeling of protein sequence and biophysical properties (such as structural, functional, and spatial information, amino acid conservation, physicochemical variation, residue mobility, and thermodynamic stability) has been performed for this missense variant. However, the output from this modeling did not meet the statistical confidence thresholds required to predict the impact of this variant on FLNC protein function. In summary, the available evidence is currently insufficient to determine the role of this variant in disease. Therefore, it has been classified as a Variant of Uncertain Significance.

Ambry Genetics
Classification: Uncertain significance for Cardiovascular phenotype. Last evaluated: 2025-05-03. Review status: criteria provided, single submitter. Criteria: Ambry Variant Classification Scheme 2023. Collection method: clinical testing. Allele origin: germline.
Comment: The p.D1635N variant (also known as c.4903G>A), located in coding exon 28 of the FLNC gene, results from a G to A substitution at nucleotide position 4903. The aspartic acid at codon 1635 is replaced by asparagine, an amino acid with highly similar properties. This amino acid position is conserved. In addition, the in silico prediction for this alteration is inconclusive. Based on the available evidence, the clinical significance of this variant remains unclear.